The following is an entry in ClinVar:

NM_000289.6(PFKM):c.259G>A (p.Ala87Thr)

Gene: PFKM (phosphofructokinase, muscle; plus strand). Cytogenetic location: 12q13.11.
Variant type: single nucleotide variant.
Coding change: c.259G>A on transcript NM_000289.6 (MANE Select); coding-DNA position 259, G replaced by A.
Protein change: p.Ala87Thr; replaces alanine 87 with threonine.
Molecular consequence: missense variant. On other transcripts: non-coding transcript variant (6).
Genome position (GRCh38, 1-based): chr12:48,132,889, G>A. VCF-style: chr12-48132889-G-A. GRCh37 (hg19) VCF-style: chr12-48526672-G-A.
Other names: p.Ala87Thr; c.472G>A, p.Ala158Thr (NM_001166686.2, NM_001354737.1, NM_001354738.1 and 1 more transcripts); c.259G>A, p.Ala87Thr (NM_001166687.2, NM_001166688.2, NM_001354742.2 and 4 more transcripts); c.568G>A, p.Ala190Thr (NM_001354735.1, NM_001354736.1); c.403G>A, p.Ala135Thr (NM_001354740.1); c.283G>A, p.Ala95Thr (NM_001354741.2); c.172G>A, p.Ala58Thr (NM_001354745.2); c.109G>A, p.Ala37Thr (NM_001354747.2, NM_001354748.2); short protein forms A135T, A158T, A190T, A37T, A58T, A87T, A95T.
Identifiers: ClinVar variation 2683193 (VCV002683193.1), dbSNP rs965103121, ClinGen allele CA236509901.
Genomic context (GRCh38, chr12:48,132,889, plus strand): 5'-GCCCTGTCTCTGGGGAGCTGACTTCTACCTCTTCCAAAGGGAGGCACGGTGATTGGAAGT[G>A]CCCGGTGCAAGGACTTTCGGGAACGAGAAGGACGACTCCGAGCTGCCTACAACCTGGTGA-3'
Protein context (NP_000280.1, residues 77-97): LQLGGTVIGS[Ala87Thr]RCKDFREREG

ClinVar aggregate classification (germline): Uncertain significance (1 of 4 stars; one submission).

Submission:

Mayo Clinic Laboratories, Mayo Clinic
Classification: Uncertain significance. Last evaluated: 2022-05-25. Review status: criteria provided, single submitter. Criteria: ACMG Guidelines, 2015. Collection method: clinical testing. Allele origin: germline. Observed: 1 variant allele.
Comment: PP3, PM2